The following is an entry in ClinVar:

ClinVar aggregate classification (germline): Pathogenic (1 of 4 stars; one submission).

Conditions:
Exostoses, multiple, type 2 (EXT2). Also called: Hereditary Multiple Osteochondromatosis, Type II; EXOSTOSES, MULTIPLE, TYPE II. Identifiers: Orphanet 321, MedGen C1851413, MONDO:0007586, OMIM 133701.

Submission:

Labcorp Genetics (formerly Invitae), Labcorp
Classification: Pathogenic for Exostoses, multiple, type 2. Last evaluated: 2025-02-06. Review status: criteria provided, single submitter. Criteria: Invitae Variant Classification Sherloc (09022015). Collection method: clinical testing. Allele origin: germline.
Comment: This variant results in the deletion of part of exon 5 (c.744-1_755del) of the EXT2 gene. It is expected to disrupt RNA splicing. Variants that disrupt the donor or acceptor splice site typically lead to a loss of protein function (PMID: 16199547), and loss-of-function variants in EXT2 are known to be pathogenic (PMID: 10679937, 19810120). This variant is not present in population databases (gnomAD no frequency). This variant has been observed in individual(s) with multiple osteochondromas (internal data). For these reasons, this variant has been classified as Pathogenic.

Literature cited by the submitters: PubMed 16199547; PubMed 10679937; PubMed 19810120.

NM_207122.2(EXT2):c.744-1_755del

Gene: EXT2 (exostosin glycosyltransferase 2; plus strand). Cytogenetic location: 11p11.2.
Variant type: Deletion.
Coding change: c.744-1_755del on transcript NM_207122.2 (MANE Select); the canonical splice acceptor site of the intron before coding-DNA position 744 through coding-DNA position 755, 13 bases deleted (GTCCACGGCAATA).
Molecular consequence: splice acceptor variant.
Genome position (GRCh38, 1-based): chr11:44,124,788-44,124,800, GTCCACGGCAATA deleted; deleting any 13 consecutive bases within chr11:44,124,786-44,124,800 gives the same sequence; the c. name uses the placement nearest the transcript's 3' end. VCF-style (leftmost placement, unchanged base first): chr11-44124785-GTAGTCCACGGCAA-G. GRCh37 (hg19) VCF-style: chr11-44146335-GTAGTCCACGGCAA-G.
Other names: c.744-1_755del (NM_001389630.1, NM_001178083.3, NM_001389628.1); c.843-1_854del (NM_000401.3).
Identifiers: ClinVar variation 4712505 (VCV004712505.1).